The following is an entry in ClinVar:

NM_000088.4(COL1A1):c.2258C>T (p.Ala753Val)

Gene: COL1A1 (collagen type I alpha 1 chain; minus strand). Cytogenetic location: 17q21.33.
Variant type: single nucleotide variant.
Coding change: c.2258C>T on transcript NM_000088.4 (MANE Select); coding-DNA position 2258, C replaced by T.
Protein change: p.Ala753Val; replaces alanine 753 with valine.
Molecular consequence: missense variant.
Genome position (GRCh38, 1-based): chr17:50,190,902, G>A on the plus strand (C>T on the coding strand, the complement: COL1A1 is on the minus strand). VCF-style: chr17-50190902-G-A. GRCh37 (hg19) VCF-style: chr17-48268263-G-A.
Other names: short protein forms A753V.
Identifiers: ClinVar variation 2764745 (VCV002764745.3), dbSNP rs2509194289, ClinGen allele CA400210427.

ClinVar aggregate classification (germline): Uncertain significance (1 of 4 stars; one submission).

Conditions:
Osteogenesis imperfecta type I (OI1). Also called: Classic Non-deforming Osteogenesis Imperfecta with Blue Sclerae; OI, TYPE I; OSTEOGENESIS IMPERFECTA TARDA; OSTEOGENESIS IMPERFECTA WITH BLUE SCLERAE; Osteogenesis imperfecta type 1; Lobstein's Disease. Identifiers: Orphanet 216796, Orphanet 666, MedGen C0023931, MONDO:0008146, OMIM 166200. Disease mechanism: loss of function.

Allele frequency attached by ClinVar (database versions not stated): gnomAD exomes below 0.00001.
gnomAD v4.1: 2 of 1,614,110 alleles (0.00012%); highest among the groups gnomAD compares: Non-Finnish European, 0.00017%; no homozygotes.

Submission:

Labcorp Genetics (formerly Invitae), Labcorp
Classification: Uncertain significance for Osteogenesis imperfecta type I. Last evaluated: 2024-10-15. Review status: criteria provided, single submitter. Criteria: Invitae Variant Classification Sherloc (09022015). Collection method: clinical testing. Allele origin: germline.
Comment: This sequence change replaces alanine, which is neutral and non-polar, with valine, which is neutral and non-polar, at codon 753 of the COL1A1 protein (p.Ala753Val). This variant is not present in population databases (gnomAD no frequency). This variant has not been reported in the literature in individuals affected with COL1A1-related conditions. Invitae Evidence Modeling of protein sequence and biophysical properties (such as structural, functional, and spatial information, amino acid conservation, physicochemical variation, residue mobility, and thermodynamic stability) indicates that this missense variant is not expected to disrupt COL1A1 protein function with a negative predictive value of 95%. In summary, the available evidence is currently insufficient to determine the role of this variant in disease. Therefore, it has been classified as a Variant of Uncertain Significance.